The following is an entry in ClinVar:

NM_020066.5(FMN2):c.2880C>T (p.Pro960=)

Gene: FMN2 (formin 2; plus strand). Cytogenetic location: 1q43.
Variant type: single nucleotide variant.
Coding change: c.2880C>T on transcript NM_020066.5 (MANE Select); coding-DNA position 2880, C replaced by T.
Protein change: p.Pro960=; no amino-acid change (proline 960 retained).
Molecular consequence: synonymous variant. On other transcripts: intron variant (1).
Genome position (GRCh38, 1-based): chr1:240,207,692, C>T. VCF-style: chr1-240207692-C-T. GRCh37 (hg19) VCF-style: chr1-240370992-C-T.
Other names: c.2892C>T, p.Pro964= (NM_001305424.2); c.1986+19430C>T (NM_001348094.2).
Identifiers: ClinVar variation 4533447 (VCV004533447.6).
Genomic context (GRCh38, chr1:240,207,692, plus strand): 5'-GGGAATACCTCCTCCGCCCCCTCTACCCGGAGCGGCAATACCCCCTCCGCCCCCTCTTCC[C>T]GGGGCAGGCATACCCCTTCCTCCCCCTCTTCCCGGAGCAGGAATACCTCCTCCACCCCCT-3'
Protein context (NP_064450.3, residues 950-970): GAAIPPPPPL[Pro960=]GAGIPLPPPL

ClinVar aggregate classification (germline): Likely benign (1 of 4 stars; one submission).

Submission:

CeGaT Center for Human Genetics Tuebingen
Classification: Likely benign. Last evaluated: 2025-10-01. Review status: criteria provided, single submitter. Criteria: CeGaT Center For Human Genetics Tuebingen Variant Classification Criteria Version 2. Collection method: clinical testing. Allele origin: germline. Affected: yes. Observed: 1 variant allele.
Comment: FMN2: BP4, BP7